The following is an entry in ClinVar:

NM_020401.4(NUP107):c.1181A>G (p.Glu394Gly)

Gene: NUP107 (nucleoporin 107; plus strand). Cytogenetic location: 12q15.
Variant type: single nucleotide variant.
Coding change: c.1181A>G on transcript NM_020401.4 (MANE Select); coding-DNA position 1181, A replaced by G.
Protein change: p.Glu394Gly; replaces glutamic acid 394 with glycine.
Molecular consequence: missense variant.
Genome position (GRCh38, 1-based): chr12:68,719,584, A>G. VCF-style: chr12-68719584-A-G. GRCh37 (hg19) VCF-style: chr12-69113364-A-G.
Other names: c.1094A>G, p.Glu365Gly (NM_001330192.2); short protein forms E365G, E394G.
Identifiers: ClinVar variation 2497916 (VCV002497916.1), dbSNP rs899872828, ClinGen allele CA238443419.
Genomic context (GRCh38, chr12:68,719,584, plus strand): 5'-GAATTGTAATAAGGTCTTATTTTAAACCAGAAATTTTCTTTTGCTATTTTATAGGAACAG[A>G]ATTAGAACCTGTTGAAGGGAATCCATATAGACGCATTTGGAAAATAAGTTGCTGGAGAAT-3'
Protein context (NP_065134.1, residues 384-404): YHDPNVNGGT[Glu394Gly]LEPVEGNPYR

ClinVar aggregate classification (germline): Uncertain significance (1 of 4 stars; one submission).

Allele frequency attached by ClinVar (database versions not stated): gnomAD exomes below 0.00001; gnomAD 0.00001.
gnomAD v4.1: 4 of 1,611,642 alleles (0.00025%); highest among the groups gnomAD compares: Non-Finnish European, 0.00034%; no homozygotes.

Submission:

GeneDx
Classification: Uncertain significance. Last evaluated: 2022-10-09. Review status: criteria provided, single submitter. Criteria: GeneDx Variant Classification Process June 2021. Collection method: clinical testing. Allele origin: germline. Affected: yes.
Comment: Not observed at significant frequency in large population cohorts (gnomAD); In silico analysis supports that this missense variant has a deleterious effect on protein structure/function; Has not been previously published as pathogenic or benign to our knowledge